The following is an entry in ClinVar:

NM_001008537.3(NEXMIF):c.4529G>A (p.Arg1510His)

Gene: NEXMIF (neurite extension and migration factor; minus strand). Cytogenetic location: Xq13.3.
Variant type: single nucleotide variant.
Coding change: c.4529G>A on transcript NM_001008537.3 (MANE Select); coding-DNA position 4529, G replaced by A.
Protein change: p.Arg1510His; replaces arginine 1510 with histidine.
Molecular consequence: missense variant.
Genome position (GRCh38, 1-based): chrX:74,739,427, C>T on the plus strand (G>A on the coding strand, the complement: NEXMIF is on the minus strand). VCF-style: chrX-74739427-C-T. GRCh37 (hg19) VCF-style: chrX-73959262-C-T.
Other names: c.4529G>A (NM_001008537.2); short protein forms R1510H.
Identifiers: ClinVar variation 2162078 (VCV002162078.5), dbSNP rs559413122, ClinGen allele CA10454802.
Genomic context (GRCh38, chrX:74,739,427, plus strand): 5'-ACCACAAGGCATATTTTGAAAGAAATAAAACACAAACATCAAATGTCTTTCTGGAAAATG[C>T]GAGTCTCTTCTTCAAACACAGGTAAAACCCAAAAGGTTGTTTCTGCTTTTAGGAGATTGT-3'
Protein context (NP_001008537.1, residues 1500-1516): WVLPVFEEET[Arg1510His]IFQKDI

ClinVar aggregate classification (germline): Uncertain significance. Review status: criteria provided, multiple submitters, no conflicts (2 of 4 stars). 2 submissions from 2 submitters: Uncertain significance (2). Last evaluated 2023-07-17.

Conditions:
NEXMIF-related disorder. Also called: NEXMIF-related condition.

Allele frequency attached by ClinVar (database versions not stated): ExAC 0.00001; TOPMed 0.00001; gnomAD 0.00002.
gnomAD v4.1: 6 of 1,193,689 alleles (0.0005%); highest among the groups gnomAD compares: East Asian, 0.003%; no homozygotes.

Submissions (2):

PreventionGenetics, part of Exact Sciences
Classification: Uncertain significance for NEXMIF-related condition. Last evaluated: 2023-07-17. Review status: criteria provided, single submitter. Criteria: ACMG Guidelines, 2015. Collection method: clinical testing. Allele origin: germline.
Comment: The NEXMIF c.4529G>A variant is predicted to result in the amino acid substitution p.Arg1510His. To our knowledge, this variant has not been reported in the literature. This variant is reported in 0.0080% of alleles in individuals of East Asian descent in gnomAD. At this time, the clinical significance of this variant is uncertain due to the absence of conclusive functional and genetic evidence.

Labcorp Genetics (formerly Invitae), Labcorp
Classification: Uncertain significance. Last evaluated: 2022-12-25. Review status: criteria provided, single submitter. Criteria: Invitae Variant Classification Sherloc (09022015). Collection method: clinical testing. Allele origin: germline.
Comment: In summary, the available evidence is currently insufficient to determine the role of this variant in disease. Therefore, it has been classified as a Variant of Uncertain Significance. Algorithms developed to predict the effect of missense changes on protein structure and function output the following: SIFT: "Tolerated"; PolyPhen-2: "Benign"; Align-GVGD: "Class C0". The histidine amino acid residue is found in multiple mammalian species, which suggests that this missense change does not adversely affect protein function. This variant has not been reported in the literature in individuals affected with NEXMIF-related conditions. The frequency data for this variant in the population databases is considered unreliable, as metrics indicate poor data quality at this position in the gnomAD database. This sequence change replaces arginine, which is basic and polar, with histidine, which is basic and polar, at codon 1510 of the NEXMIF protein (p.Arg1510His).